The following is an entry in ClinVar:

ClinVar aggregate classification (germline): Uncertain significance. Review status: criteria provided, multiple submitters, no conflicts (2 of 4 stars). 3 submissions from 3 submitters: Uncertain significance (3). Last evaluated 2025-10-15.

Conditions:
Bardet-Biedl syndrome (BBS). Identifiers: Orphanet 110, MedGen C0752166, MONDO:0015229.
McKusick-Kaufman syndrome (MKKS). Also called: HYDROMETROCOLPOS SYNDROME; HYDROMETROCOLPOS, POSTAXIAL POLYDACTYLY, AND CONGENITAL HEART MALFORMATION. Identifiers: Orphanet 2473, MedGen C0948368, MONDO:0009367, OMIM 236700.
MKKS-related disorder. Also called: MKKS-related condition; MKKS-related disorders.
Inborn genetic diseases. Identifiers: MedGen C0950123, MeSH D030342.

Allele frequency attached by ClinVar (database versions not stated): gnomAD 0.00001.
gnomAD v4.1: 15 of 1,614,048 alleles (0.00093%); highest among the groups gnomAD compares: South Asian, 0.0077%; no homozygotes.

Submissions (3):

PreventionGenetics, part of Exact Sciences
Classification: Uncertain significance for MKKS-related condition. Last evaluated: 2025-10-15. Review status: criteria provided, single submitter. Criteria: ACMG Guidelines, 2015. Collection method: clinical testing. Allele origin: germline.
Comment: The MKKS c.8G>A variant is predicted to result in the amino acid substitution p.Arg3His. To our knowledge, this variant has not been reported in the literature. This variant is reported in 0.00088% of alleles in individuals of European (Non-Finnish) descent in gnomAD. At this time, the clinical significance of this variant is uncertain due to the absence of conclusive functional and genetic evidence.

Ambry Genetics
Classification: Uncertain significance for Inborn genetic diseases. Last evaluated: 2023-05-23. Review status: criteria provided, single submitter. Criteria: Ambry Variant Classification Scheme 2023. Collection method: clinical testing. Allele origin: germline.

Labcorp Genetics (formerly Invitae), Labcorp
Classification: Uncertain significance for McKusick-Kaufman syndrome; Bardet-Biedl syndrome. Last evaluated: 2022-01-15. Review status: criteria provided, single submitter. Criteria: Invitae Variant Classification Sherloc (09022015). Collection method: clinical testing. Allele origin: germline.
Comment: This sequence change replaces arginine, which is basic and polar, with histidine, which is basic and polar, at codon 3 of the MKKS protein (p.Arg3His). This variant is present in population databases (no rsID available, gnomAD 0.0009%). This variant has not been reported in the literature in individuals affected with MKKS-related conditions. ClinVar contains an entry for this variant (Variation ID: 971186). Algorithms developed to predict the effect of missense changes on protein structure and function are either unavailable or do not agree on the potential impact of this missense change (SIFT: "Deleterious"; PolyPhen-2: "Probably Damaging"; Align-GVGD: "Class C0"). In summary, the available evidence is currently insufficient to determine the role of this variant in disease. Therefore, it has been classified as a Variant of Uncertain Significance.

NM_170784.3(MKKS):c.8G>A (p.Arg3His)

Gene: MKKS (MKKS centrosomal shuttling protein; minus strand). Cytogenetic location: 20p12.2.
Variant type: single nucleotide variant.
Coding change: c.8G>A on transcript NM_170784.3 (MANE Select); coding-DNA position 8, G replaced by A.
Protein change: p.Arg3His; replaces arginine 3 with histidine.
Molecular consequence: missense variant.
Genome position (GRCh38, 1-based): chr20:10,413,507, C>T on the plus strand (G>A on the coding strand, the complement: MKKS is on the minus strand). VCF-style: chr20-10413507-C-T. GRCh37 (hg19) VCF-style: chr20-10394155-C-T.
Other names: c.8G>A, p.Arg3His (NM_018848.3); c.8G>A (NM_018848.2); short protein forms R3H.
Identifiers: ClinVar variation 971186 (VCV000971186.7), dbSNP rs770619894, ClinGen allele CA408234020.
Genomic context (GRCh38, chr20:10,413,507, plus strand): 5'-CTGACTCTCTCAGTTGTCAGTGGTTCACTCTTACACAATGATGGCTTCTTAGCTTCCAAA[C>T]GAGACATCTTACTTCAGGTGGTAACTAGTGAAGACCGTTTTTATTTTGTAAACCACATTT-3'
Protein context (NP_740754.1, residues 1-13): MS[Arg3His]LEAKKPSLCK